The following is an entry in ClinVar:

NM_018946.4(NANS):c.1A>G (p.Met1Val)

Genes: NANS (N-acetylneuraminate synthase; plus strand), TRIM14 (tripartite motif containing 14; minus strand), LOC130002203 (ATAC-STARR-seq lymphoblastoid silent region 20112; plus strand). Cytogenetic location: 9q22.33.
Variant type: single nucleotide variant.
Coding change: c.1A>G on transcript NM_018946.4 (MANE Select); coding-DNA position 1, A replaced by G.
Protein change: p.Met1Val; changes the start codon (methionine 1).
Molecular consequence: missense variant, initiator codon variant.
Genome position (GRCh38, 1-based): chr9:98,056,809, A>G. VCF-style: chr9-98056809-A-G. GRCh37 (hg19) VCF-style: chr9-100819091-A-G.
Other names: short protein forms M1V.
Identifiers: ClinVar variation 810396 (VCV000810396.45), dbSNP rs369033671, ClinGen allele CA5150142.

ClinVar aggregate classification (germline): Likely pathogenic. Review status: criteria provided, single submitter (1 of 4 stars). 2 submissions from 2 submitters: Likely pathogenic (1). 1 of the submissions does not count toward it. Last evaluated 2019-05-01.

Conditions:
Spondyloepimetaphyseal dysplasia, Genevieve type. Also called: SEMD Genevieve type; NANS DEFICIENCY. Identifiers: Orphanet 168454, MedGen C1864872, MONDO:0012495, OMIM 610442.

Allele frequency attached by ClinVar (database versions not stated): gnomAD 0.00001; TOPMed 0.00002.
gnomAD v4.1: 23 of 1,592,314 alleles (0.0014%); highest among the groups gnomAD compares: Middle Eastern, 0.017%; no homozygotes.

Submissions (2):

CeGaT Center for Human Genetics Tuebingen
Classification: Likely pathogenic. Last evaluated: 2019-05-01. Review status: criteria provided, single submitter. Criteria: CeGaT Center For Human Genetics Tuebingen Variant Classification Criteria Version 2. Collection method: clinical testing. Allele origin: germline. Affected: yes. Observed: 3 variant alleles.

Institute of Medical Genetics and Genomics, Sir Ganga Ram Hospital
Classification: Likely pathogenic for Spondyloepimetaphyseal dysplasia, Genevieve type. Last evaluated: 2022-04-25. Review status: no assertion criteria provided. Collection method: clinical testing. Allele origin: germline. Inheritance: Autosomal recessive inheritance. Affected: yes. Observed: 1 homozygote. Not counted in ClinVar's aggregate classification.
Comment: The homozygous start-loss variant c.1A>G (p.1M?) has an allele frequency-0.0018% in gnomAD (aggregated) database and 0.0033% in 1000g databases. In-silico bioinformatic software predicts this variant by mutation taster as Disease causing. Spondyloepimetaphyseal dysplasia, Camera-Genevieve type is an autosomal recessive disorder. This is also known as NANS-CDG as sialic acid plays a vital role in multiple cellular functions. We classify this variant as likely pathogenic based on the phenotypes.

Literature cited by the submitters: PubMed 34163424 (cited by Institute of Medical Genetics and Genomics, Sir Ganga Ram Hospital).